The following is an entry in ClinVar:

ClinVar aggregate classification (germline): Conflicting classifications of pathogenicity. Review status: criteria provided, conflicting classifications (1 of 4 stars). 2 submissions from 2 submitters: Pathogenic (1); Uncertain significance (1). Last evaluated 2025-05-05.

Submissions (2):

Labcorp Genetics (formerly Invitae), Labcorp
Classification: Pathogenic. Last evaluated: 2025-05-05. Review status: criteria provided, single submitter. Criteria: Invitae Variant Classification Sherloc (09022015). Collection method: clinical testing. Allele origin: germline.
Comment: This sequence change replaces glycine, which is neutral and non-polar, with glutamic acid, which is acidic and polar, at codon 1994 of the ABCA4 protein (p.Gly1994Glu). This variant is not present in population databases (gnomAD no frequency). This missense change has been observed in individual(s) with Stargardt disease (PMID: 32619608; internal data). ClinVar contains an entry for this variant (Variation ID: 2098052). Invitae Evidence Modeling of protein sequence and biophysical properties (such as structural, functional, and spatial information, amino acid conservation, physicochemical variation, residue mobility, and thermodynamic stability) indicates that this missense variant is expected to disrupt ABCA4 protein function with a positive predictive value of 95%. For these reasons, this variant has been classified as Pathogenic.

GeneDx
Classification: Uncertain significance. Last evaluated: 2023-03-20. Review status: criteria provided, single submitter. Criteria: GeneDx Variant Classification Process June 2021. Collection method: clinical testing. Allele origin: germline. Affected: yes.
Comment: In silico analysis supports that this missense variant has a deleterious effect on protein structure/function; Not observed at significant frequency in large population cohorts (gnomAD); This variant is associated with the following publications: (PMID: 32619608, 35119454)

Literature cited by the submitters: PubMed 32619608 (cited by Labcorp Genetics (formerly Invitae), Labcorp).

NM_000350.3(ABCA4):c.5981G>A (p.Gly1994Glu)

Gene: ABCA4 (ATP binding cassette subfamily A member 4; minus strand). Cytogenetic location: 1p22.1.
Variant type: single nucleotide variant.
Coding change: c.5981G>A on transcript NM_000350.3 (MANE Select); coding-DNA position 5981, G replaced by A.
Protein change: p.Gly1994Glu; replaces glycine 1994 with glutamic acid.
Molecular consequence: missense variant.
Genome position (GRCh38, 1-based): chr1:94,007,658, C>T on the plus strand (G>A on the coding strand, the complement: ABCA4 is on the minus strand). VCF-style: chr1-94007658-C-T. GRCh37 (hg19) VCF-style: chr1-94473214-C-T.
Other names: c.5759G>A, p.Gly1920Glu (NM_001425324.1); short protein forms G1994E, G1920E.
Identifiers: ClinVar variation 2098052 (VCV002098052.5), dbSNP rs1659426325, ClinGen allele CA341279437.